The following is an entry in ClinVar:

ClinVar aggregate classification (germline): Benign. Review status: criteria provided, multiple submitters, no conflicts (2 of 4 stars). 3 submissions from 3 submitters: Benign (3). Last evaluated 2018-07-17.

Conditions:
Hereditary spastic paraplegia 35. Also called: Spastic paraplegia 35; SPASTIC PARAPLEGIA 35, AUTOSOMAL RECESSIVE, WITH OR WITHOUT NEURODEGENERATION; LEUKODYSTROPHY, DYSMYELINATING, AND SPASTIC PARAPARESIS WITH OR WITHOUT DYSTONIA; Spastic paraplegia 35, autosomal recessive. Identifiers: Orphanet 171629, MedGen C3496228, MONDO:0012866, OMIM 612319.

Allele frequency attached by ClinVar (database versions not stated): gnomAD exomes 0.00796; gnomAD 0.02360 and 0.02464; TOPMed 0.02461; 1000 Genomes Project 0.02556; 1000 Genomes Project 30x 0.02717.

Submissions (3):

GeneDx
Classification: Benign. Last evaluated: 2018-07-17. Review status: criteria provided, single submitter. Criteria: GeneDx Variant Classification Process June 2021. Collection method: clinical testing. Allele origin: germline. Affected: yes.

Illumina Laboratory Services, Illumina
Classification: Benign for Hereditary spastic paraplegia 35. Last evaluated: 2018-01-13. Review status: criteria provided, single submitter. Criteria: ICSL Variant Classification Criteria 13 December 2019. Collection method: clinical testing. Allele origin: germline.
Comment: This variant was observed in the ICSL laboratory as part of a predisposition screen in an ostensibly healthy population. It had not been previously curated by ICSL or reported in the Human Gene Mutation Database (HGMD: prior to June 1st, 2018), and was therefore a candidate for classification through an automated scoring system. Utilizing variant allele frequency, disease prevalence and penetrance estimates, and inheritance mode, an automated score was calculated to assess if this variant is too frequent to cause the disease. Based on the score and internal cut-off values, a variant classified as benign is not then subjected to further curation. The score for this variant resulted in a classification of benign for this disease.

Breakthrough Genomics
Classification: Benign. Review status: criteria provided, single submitter. Criteria: ACMG Guidelines, 2015. Collection method: not provided. Allele origin: germline. Inheritance: Autosomal recessive inheritance. Affected: yes.

NM_024306.5(FA2H):c.*243G>A

Gene: FA2H (fatty acid 2-hydroxylase; minus strand). Cytogenetic location: 16q23.1.
Variant type: single nucleotide variant.
Coding change: c.*243G>A on transcript NM_024306.5 (MANE Select); 243 bases downstream of the stop codon, G replaced by A.
Molecular consequence: 3 prime UTR variant.
Genome position (GRCh38, 1-based): chr16:74,713,947, C>T on the plus strand (G>A on the coding strand, the complement: FA2H is on the minus strand). VCF-style: chr16-74713947-C-T. GRCh37 (hg19) VCF-style: chr16-74747845-C-T.
Identifiers: ClinVar variation 320487 (VCV000320487.8), dbSNP rs115024147, ClinGen allele CA10648058.